The following is an entry in ClinVar:

NM_002495.4(NDUFS4):c.5C>A (p.Ala2Glu)

Genes: NDUFS4 (NADH:ubiquinone oxidoreductase subunit S4; plus strand), LOC129993885 (ATAC-STARR-seq lymphoblastoid active region 22547; plus strand). Cytogenetic location: 5q11.2.
Variant type: single nucleotide variant.
Coding change: c.5C>A on transcript NM_002495.4 (MANE Select); coding-DNA position 5, C replaced by A.
Protein change: p.Ala2Glu; replaces alanine 2 with glutamic acid.
Molecular consequence: missense variant. On other transcripts: non-coding transcript variant (3).
Genome position (GRCh38, 1-based): chr5:53,560,667, C>A. VCF-style: chr5-53560667-C-A. GRCh37 (hg19) VCF-style: chr5-52856497-C-A.
Other names: c.5C>A, p.Ala2Glu (NM_001318051.2); short protein forms A2E.
Identifiers: ClinVar variation 905818 (VCV000905818.7), dbSNP rs148595893, ClinGen allele CA3264121.

ClinVar aggregate classification (germline): Uncertain significance. Review status: criteria provided, multiple submitters, no conflicts (2 of 4 stars). 4 submissions from 3 submitters: Uncertain significance (4). Last evaluated 2025-03-26.

Conditions:
Leigh syndrome (NULS). Also called: Leigh Disease; Subacute necrotizing encephalopathy; Leigh Syndrome (mtDNA deletion); Leigh's syndrome; Leigh's necrotizing encephalopathy; Leigh's disease. Identifiers: Orphanet 506, MedGen C2931891, MONDO:0009723, OMIM 256000.
Mitochondrial complex I deficiency, nuclear type 1. Also called: NADH-COENZYME Q REDUCTASE DEFICIENCY; MITOCHONDRIAL NADH DEHYDROGENASE COMPONENT OF COMPLEX I, DEFICIENCY OF. Identifiers: MedGen C6022305, MONDO:0100224, OMIM 252010.

Allele frequency attached by ClinVar (database versions not stated): TOPMed 0.00015; ESP Exome Variant Server 0.00023; 1000 Genomes Project 0.00040; 1000 Genomes Project 30x 0.00047.
gnomAD v4.1: 488 of 1,614,212 alleles (0.03%); highest among the groups gnomAD compares: Non-Finnish European, 0.038%; no homozygotes.

Submissions (4):

GeneDx
Classification: Uncertain significance. Last evaluated: 2025-03-26. Review status: criteria provided, single submitter. Criteria: GeneDx Variant Classification Process June 2021. Collection method: clinical testing. Allele origin: germline. Affected: yes.
Comment: In silico analysis indicates that this missense variant does not alter protein structure/function; Has not been previously published as pathogenic or benign to our knowledge

Illumina Laboratory Services, Illumina
Classification: Uncertain significance for Leigh syndrome. Last evaluated: 2017-04-27. Review status: criteria provided, single submitter. Criteria: ICSL Variant Classification Criteria 13 December 2019. Collection method: clinical testing. Allele origin: germline.

Illumina Laboratory Services, Illumina
Classification: Uncertain significance for Mitochondrial complex I deficiency, nuclear type 1. Last evaluated: 2017-04-27. Review status: criteria provided, single submitter. Criteria: ICSL Variant Classification Criteria 13 December 2019. Collection method: clinical testing. Allele origin: germline.

Breakthrough Genomics
Classification: Uncertain significance. Review status: criteria provided, single submitter. Criteria: ACMG Guidelines, 2015. Collection method: not provided. Allele origin: germline. Inheritance: Autosomal recessive inheritance. Affected: yes.